The following is an entry in ClinVar:

ClinVar aggregate classification (germline): Likely benign (1 of 4 stars; one submission).

Conditions:
TUBB4A-related disorder. Also called: TUBB4A-related condition.

Submission:

PreventionGenetics, part of Exact Sciences
Classification: Likely benign for TUBB4A-related condition. Last evaluated: 2025-01-23. Review status: criteria provided, single submitter. Criteria: ACMG Guidelines, 2015. Collection method: clinical testing. Allele origin: germline.
Comment: This variant is classified as likely benign based on ACMG/AMP sequence variant interpretation guidelines (Richards et al. 2015 PMID: 25741868, with internal and published modifications).

NM_006087.4(TUBB4A):c.621C>G (p.Leu207=)

Gene: TUBB4A (tubulin beta 4A class IVa; minus strand). Cytogenetic location: 19p13.3.
Variant type: single nucleotide variant.
Coding change: c.621C>G on transcript NM_006087.4 (MANE Select); coding-DNA position 621, C replaced by G.
Protein change: p.Leu207=; no amino-acid change (leucine 207 retained).
Molecular consequence: synonymous variant.
Genome position (GRCh38, 1-based): chr19:6,495,878, G>C on the plus strand (C>G on the coding strand, the complement: TUBB4A is on the minus strand). VCF-style: chr19-6495878-G-C. GRCh37 (hg19) VCF-style: chr19-6495889-G-C.
Other names: c.774C>G, p.Leu258= (NM_001289123.2); c.756C>G, p.Leu252= (NM_001289127.2); c.621C>G, p.Leu207= (NM_001289129.2); c.405C>G, p.Leu135= (NM_001289130.2, NM_001289131.2).
Identifiers: ClinVar variation 4988825 (VCV004988825.1).
Genomic context (GRCh38, chr19:6,495,878, plus strand): 5'-GTGGTTGAGGTCCCCGTAGGTGGGGGTGGTCAGCTTGAGGGTGCGGAAACAGATGTCGTA[G>C]AGTGCCTCGTTGTCGATGCAGTAGGTCTCATCCGTATTCTCCACCAGCTGGTGCACAGAC-3'
Protein context (NP_006078.2, residues 197-217): DETYCIDNEA[Leu207=]YDICFRTLKL